The following is an entry in ClinVar:

NM_015662.3(IFT172):c.2060G>T (p.Arg687Leu)

Gene: IFT172 (intraflagellar transport 172; minus strand). Cytogenetic location: 2p23.3.
Variant type: single nucleotide variant.
Coding change: c.2060G>T on transcript NM_015662.3 (MANE Select); coding-DNA position 2060, G replaced by T.
Protein change: p.Arg687Leu; replaces arginine 687 with leucine.
Molecular consequence: missense variant.
Genome position (GRCh38, 1-based): chr2:27,462,756, C>A on the plus strand (G>T on the coding strand, the complement: IFT172 is on the minus strand). VCF-style: chr2-27462756-C-A. GRCh37 (hg19) VCF-style: chr2-27685623-C-A.
Other names: short protein forms R687L.
Identifiers: ClinVar variation 1410566 (VCV001410566.6), dbSNP rs145601549, ClinGen allele CA1580419.
Genomic context (GRCh38, chr2:27,462,756, plus strand): 5'-ATTACCTGTTCCAAAAAGATCATTTCAGCCAGTTTGTAGTTCTTTTCCAGCATGGCTAGA[C>A]GTGCTCGGACCTGATAAAAGTCTGTTCCTTCTCCGCCCTGTGGGGGAAAAAGGAGGTTCT-3'
Protein context (NP_056477.1, residues 677-697): EGTDFYQVRA[Arg687Leu]LAMLEKNYKL

ClinVar aggregate classification (germline): Uncertain significance (1 of 4 stars; one submission).

Conditions:
Retinitis pigmentosa 71 (RP71). Identifiers: Orphanet 791, MedGen C4225342, MONDO:0014618, OMIM 616394.
Short-rib thoracic dysplasia 10 with or without polydactyly (SRTD10). Identifiers: Orphanet 474, MedGen C3810175, MONDO:0014284, OMIM 615630.

Allele frequency attached by ClinVar (database versions not stated): 1000 Genomes Project 30x 0.00016.
gnomAD v4.1: 3 of 1,614,062 alleles (0.00019%); highest among the groups gnomAD compares: Admixed American, 0.005%; no homozygotes.

Submission:

Labcorp Genetics (formerly Invitae), Labcorp
Classification: Uncertain significance for Retinitis pigmentosa 71; Short-rib thoracic dysplasia 10 with or without polydactyly. Last evaluated: 2022-08-08. Review status: criteria provided, single submitter. Criteria: Invitae Variant Classification Sherloc (09022015). Collection method: clinical testing. Allele origin: germline.
Comment: In summary, the available evidence is currently insufficient to determine the role of this variant in disease. Therefore, it has been classified as a Variant of Uncertain Significance. Algorithms developed to predict the effect of missense changes on protein structure and function are either unavailable or do not agree on the potential impact of this missense change (SIFT: "Tolerated"; PolyPhen-2: "Possibly Damaging"; Align-GVGD: "Class C0"). ClinVar contains an entry for this variant (Variation ID: 1410566). This variant has not been reported in the literature in individuals affected with IFT172-related conditions. This variant is not present in population databases (gnomAD no frequency). This sequence change replaces arginine, which is basic and polar, with leucine, which is neutral and non-polar, at codon 687 of the IFT172 protein (p.Arg687Leu).